The following is an entry in ClinVar:

ClinVar aggregate classification (germline): Uncertain significance (1 of 4 stars; one submission).

Submission:

Ambry Genetics
Classification: Uncertain significance. Last evaluated: 2023-11-30. Review status: criteria provided, single submitter. Criteria: Ambry Variant Classification Scheme 2023. Collection method: clinical testing. Allele origin: germline.
Comment: The p.T1139S variant (also known as c.3415A>T), located in coding exon 16 of the POLQ gene, results from an A to T substitution at nucleotide position 3415. The threonine at codon 1139 is replaced by serine, an amino acid with similar properties. This amino acid position is conserved. In addition, this alteration is predicted to be tolerated by in silico analysis. Since supporting evidence is limited at this time, the clinical significance of this alteration remains unclear.

NM_199420.4(POLQ):c.3415A>T (p.Thr1139Ser)

Gene: POLQ (DNA polymerase theta; minus strand). Cytogenetic location: 3q13.33.
Variant type: single nucleotide variant.
Coding change: c.3415A>T on transcript NM_199420.4 (MANE Select); coding-DNA position 3415, A replaced by T.
Protein change: p.Thr1139Ser; replaces threonine 1139 with serine.
Molecular consequence: missense variant.
Genome position (GRCh38, 1-based): chr3:121,489,516, T>A on the plus strand (A>T on the coding strand, the complement: POLQ is on the minus strand). VCF-style: chr3-121489516-T-A. GRCh37 (hg19) VCF-style: chr3-121208363-T-A.
Other names: short protein forms T1139S.
Identifiers: ClinVar variation 3229934 (VCV003229934.1), dbSNP rs2546787413, ClinGen allele CA354100183.